The following is an entry in ClinVar:

NM_000505.4(F12):c.-4T>C

Gene: F12 (coagulation factor XII; minus strand). Cytogenetic location: 5q35.3.
Variant type: single nucleotide variant.
Coding change: c.-4T>C on transcript NM_000505.4 (MANE Select); 4 bases upstream of the start codon, T replaced by C.
Molecular consequence: 5 prime UTR variant.
Genome position (GRCh38, 1-based): chr5:177,409,531, A>G on the plus strand (T>C on the coding strand, the complement: F12 is on the minus strand). VCF-style: chr5-177409531-A-G. GRCh37 (hg19) VCF-style: chr5-176836532-A-G.
Other names: F12, 46C-T (rs1801020).
Identifiers: ClinVar variation 1167 (VCV000001167.21), dbSNP rs1801020, ClinGen allele CA114814.

ClinVar aggregate classification (germline): Benign/Likely benign. Review status: criteria provided, multiple submitters, no conflicts (2 of 4 stars). 11 submissions from 10 submitters: Benign (7); Likely benign (1). 3 of the submissions do not count toward it. Last evaluated 2024-11-26.

Conditions:
F12 POLYMORPHISM.
Hereditary angioedema type 3 (HAE3). Also called: ANGIONEUROTIC EDEMA, HEREDITARY, WITH NORMAL C1 INHIBITOR CONCENTRATION AND FUNCTION; ESTROGEN-RELATED HAE; ESTROGEN-SENSITIVE HAE; HAE WITH NORMAL C1 INHIBITOR CONCENTRATION AND FUNCTION. Identifiers: Orphanet 100054, MedGen C1857728, MONDO:0012526, OMIM 610618.
Factor XII deficiency disease. Also called: Congenital factor XII deficiency; Reduced factor XII activity; F12 DEFICIENCY; HAF DEFICIENCY. Identifiers: Orphanet 330, MedGen C0015526, MONDO:0009315, OMIM 234000, HP:0004841.

Allele frequency attached by ClinVar (database versions not stated): 1000 Genomes Project 0.52756; 1000 Genomes Project 30x 0.53076; gnomAD exomes 0.65197 and 0.71377; ExAC 0.65458; TOPMed 0.65725; gnomAD 0.66266 and 0.67118; ESP Exome Variant Server 0.69337.
gnomAD v4.1: 1,142,660 of 1,613,300 alleles (71%); highest among the groups gnomAD compares: Middle Eastern, 81%; 413,279 homozygotes.

Submissions (11):

Blueprint Genetics
Classification: Likely benign. Last evaluated: 2024-11-26. Review status: criteria provided, single submitter. Criteria: ACMG Guidelines, 2015. Collection method: clinical testing. Allele origin: germline.

Genome-Nilou Lab
Classification: Benign for Hereditary angioedema type 3. Last evaluated: 2021-08-10. Review status: criteria provided, single submitter. Criteria: ACMG Guidelines, 2015. Collection method: clinical testing. Allele origin: germline. Affected: no.

GeneDx
Classification: Benign. Last evaluated: 2018-11-10. Review status: criteria provided, single submitter. Criteria: GeneDx Variant Classification Process June 2021. Collection method: clinical testing. Allele origin: germline. Affected: yes.
Comment: This variant is associated with the following publications: (PMID: 21071604, 20814302, 9490684, 16170239, 19933701, 18180442, 19372376, 19786295, 16411408, 29513108, 26248961)

Illumina Laboratory Services, Illumina
Classification: Benign for Factor XII deficiency disease. Last evaluated: 2017-04-27. Review status: criteria provided, single submitter. Criteria: ICSL Variant Classification Criteria 13 December 2019. Collection method: clinical testing. Allele origin: germline.
Comment: This variant was observed as part of a predisposition screen in an ostensibly healthy population. A literature search was performed for the gene, cDNA change, and amino acid change (where applicable). No publications were found based on this search. Allele frequency data from public databases was too high to be consistent with this variant causing disease. Therefore, this variant is classified as benign.

Illumina Laboratory Services, Illumina
Classification: Benign for Hereditary angioedema type 3. Last evaluated: 2017-04-27. Review status: criteria provided, single submitter. Criteria: ICSL Variant Classification Criteria 13 December 2019. Collection method: clinical testing. Allele origin: germline.
Comment: the same text as in the submission from Illumina Laboratory Services, Illumina above.

Laboratory for Molecular Medicine, Mass General Brigham Personalized Medicine
Classification: Benign. Last evaluated: 2016-03-28. Review status: criteria provided, single submitter. Criteria: LMM Criteria. Collection method: clinical testing. Allele origin: germline.
Comment: Variant identified in a genome or exome case(s) and assessed due to predicted null impact of the variant or pathogenic assertions in the literature or databases. Disclaimer: This variant has not undergone full assessment. The following are preliminary notes: Frequency

CeMIA
Classification: Benign for Hereditary angioedema type 3. Review status: criteria provided, single submitter. Criteria: ACMG Guidelines, 2015. Collection method: clinical testing. Allele origin: germline. Affected: no.
Comment: This variant is considered likely benign or benign based on one or more of the following criteria: allele frequency is >5% in Exome Sequencing Project, 1000 Genomes Project, or Exome Aggregation Consortium (BA1), allele frequency is greater than expected for disorder (BS1), it is observed in a healthy adult individual (BS2), it is predicted to be benign by multiple in silico algorithms (BP4), it is found in a case with an alternate molecular basis for the disease (BP5) and/or reputable source recently reports variant as benign (BP6).

PreventionGenetics, part of Exact Sciences
Classification: Benign. Review status: criteria provided, single submitter. Criteria: ACMG Guidelines, 2015. Collection method: clinical testing. Allele origin: germline.

OMIM
Classification: Benign for F12 POLYMORPHISM. Last evaluated: 2010-04-09. Review status: no assertion criteria provided. Collection method: literature only. Allele origin: germline. Not counted in ClinVar's aggregate classification.

Diagnostic Laboratory, Department of Genetics, University Medical Center Groningen
Classification: Benign. Review status: no assertion criteria provided. Collection method: clinical testing. Allele origin: germline. Affected: yes. Study: VKGL Data-share Consensus. Not counted in ClinVar's aggregate classification.

Joint Genome Diagnostic Labs from Nijmegen and Maastricht, Radboudumc and MUMC+
Classification: Likely benign. Review status: no assertion criteria provided. Collection method: clinical testing. Allele origin: germline. Affected: yes. Study: VKGL Data-share Consensus. Not counted in ClinVar's aggregate classification.

Literature cited by the submitters: PubMed 9490684 (cited by OMIM); PubMed 11843842 (cited by OMIM); PubMed 20303064 (cited by OMIM).